The following is an entry in ClinVar:

NM_001353108.3(CEP63):c.1639A>C (p.Ser547Arg)

Gene: CEP63 (centrosomal protein 63; plus strand). Cytogenetic location: 3q22.2.
Variant type: single nucleotide variant.
Coding change: c.1639A>C on transcript NM_001353108.3 (MANE Select); coding-DNA position 1639, A replaced by C.
Protein change: p.Ser547Arg; replaces serine 547 with arginine.
Molecular consequence: missense variant. On other transcripts: intron variant (17).
Genome position (GRCh38, 1-based): chr3:134,558,313, A>C. VCF-style: chr3-134558313-A-C. GRCh37 (hg19) VCF-style: chr3-134277155-A-C.
Other names: c.1501A>C, p.Ser501Arg (NM_001353109.1); c.1639A>C, p.Ser547Arg (NM_025180.5); c.1467+6301A>C (NM_001353113.1, NM_001353117.2); c.1329+6301A>C (NM_001042384.2, NM_001353124.2, NM_001353123.2); c.1330-3064A>C (NM_001353122.1, NM_001042383.2, NM_001353121.2 and 2 more transcripts); c.1468-3064A>C (NM_001353110.1, NM_001353112.2, NM_001353111.2 and 1 more transcripts); c.1357-3064A>C (NM_001353118.1); c.967-3064A>C (NM_001353126.2); and 2 more; short protein forms S547R, S501R.
Identifiers: ClinVar variation 2181861 (VCV002181861.2), dbSNP rs766590254, ClinGen allele CA2628732.

ClinVar aggregate classification (germline): Uncertain significance. Review status: criteria provided, multiple submitters, no conflicts (2 of 4 stars). 2 submissions from 2 submitters: Uncertain significance (2). Last evaluated 2022-07-14.

Conditions:
Inborn genetic diseases. Identifiers: MedGen C0950123, MeSH D030342.

Allele frequency attached by ClinVar (database versions not stated): gnomAD 0.00001; ExAC 0.00002; gnomAD exomes 0.00002; TOPMed 0.00002.
gnomAD v4.1: 13 of 1,613,642 alleles (0.00081%); highest among the groups gnomAD compares: Admixed American, 0.022%; no homozygotes.

Submissions (2):

Labcorp Genetics (formerly Invitae), Labcorp
Classification: Uncertain significance. Last evaluated: 2022-07-14. Review status: criteria provided, single submitter. Criteria: Invitae Variant Classification Sherloc (09022015). Collection method: clinical testing. Allele origin: germline.
Comment: This sequence change replaces serine, which is neutral and polar, with arginine, which is basic and polar, at codon 547 of the CEP63 protein (p.Ser547Arg). This variant is present in population databases (rs766590254, gnomAD 0.03%). This variant has not been reported in the literature in individuals affected with CEP63-related conditions. Algorithms developed to predict the effect of missense changes on protein structure and function output the following: SIFT: "Tolerated"; PolyPhen-2: "Benign"; Align-GVGD: "Class C0". The arginine amino acid residue is found in multiple mammalian species, which suggests that this missense change does not adversely affect protein function. In summary, the available evidence is currently insufficient to determine the role of this variant in disease. Therefore, it has been classified as a Variant of Uncertain Significance.

Ambry Genetics
Classification: Uncertain significance for Inborn genetic diseases. Last evaluated: 2022-05-06. Review status: criteria provided, single submitter. Criteria: Ambry Variant Classification Scheme 2023. Collection method: clinical testing. Allele origin: germline.